The following is an entry in ClinVar:

ClinVar aggregate classification (germline): Uncertain significance (1 of 4 stars; one submission).

Conditions:
Intellectual developmental disorder with abnormal behavior, microcephaly, and short stature. Identifiers: MedGen C5193039, MONDO:0032687, OMIM 618342.

gnomAD v4.1: 109 of 1,612,080 alleles (0.0068%); highest among the groups gnomAD compares: East Asian, 0.2%; no homozygotes.

Submission:

3billion
Classification: Uncertain significance for Intellectual developmental disorder with abnormal behavior, microcephaly, and short stature. Last evaluated: 2025-08-25. Review status: criteria provided, single submitter. Criteria: ACMG Guidelines, 2015. Collection method: clinical testing. Allele origin: germline. Affected: yes.
Comment: The variant is observed at an extremely low frequency in the gnomAD v4.1.0 dataset (total allele frequency: 0.007%). Predicted Consequence/Location: Synonymous variant In silico tools is uncertain if the variant alters splicing and produces an abnormal transcript [SpliceAI: 0.16 (spliceogenicity >=0.2, non-spliceogenicity <0.1)]. Therefore, this variant is classified as VUS according to the recommendation of ACMG/AMP guideline.

NM_019042.5(PUS7):c.381G>A (p.Ser127=)

Gene: PUS7 (pseudouridine synthase 7; minus strand). Cytogenetic location: 7q22.3.
Variant type: single nucleotide variant.
Coding change: c.381G>A on transcript NM_019042.5 (MANE Select); coding-DNA position 381, G replaced by A.
Protein change: p.Ser127=; no amino-acid change (serine 127 retained).
Molecular consequence: synonymous variant.
Genome position (GRCh38, 1-based): chr7:105,508,132, C>T on the plus strand (G>A on the coding strand, the complement: PUS7 is on the minus strand). VCF-style: chr7-105508132-C-T. GRCh37 (hg19) VCF-style: chr7-105148579-C-T.
Other names: c.381G>A, p.Ser127= (NM_001318163.1, NM_001318164.2).
Identifiers: ClinVar variation 4854534 (VCV004854534.1).